The following is an entry in ClinVar:

ClinVar aggregate classification (germline): Uncertain significance. Review status: criteria provided, multiple submitters, no conflicts (2 of 4 stars). 2 submissions from 2 submitters: Uncertain significance (2). Last evaluated 2025-05-28.

Conditions:
UNC13A-related disorder. Also called: UNC13A-related condition.

Allele frequency attached by ClinVar (database versions not stated): gnomAD 0.00001; gnomAD exomes 0.00004; ExAC 0.00013.
gnomAD v4.1: 62 of 1,610,916 alleles (0.0038%); highest among the groups gnomAD compares: South Asian, 0.066%; 2 homozygotes.

Submissions (2):

PreventionGenetics, part of Exact Sciences
Classification: Uncertain significance for UNC13A-related condition. Last evaluated: 2025-05-28. Review status: criteria provided, single submitter. Criteria: ACMG Guidelines, 2015. Collection method: clinical testing. Allele origin: germline.
Comment: The UNC13A c.3145T>G variant is predicted to result in the amino acid substitution p.Ser1049Ala. To our knowledge, this variant has not been reported in the literature. This variant is reported in 0.084% of alleles in individuals of South Asian descent in gnomAD. At this time, the clinical significance of this variant is uncertain due to the absence of conclusive functional and genetic evidence.

Ambry Genetics
Classification: Uncertain significance. Last evaluated: 2021-07-16. Review status: criteria provided, single submitter. Criteria: Ambry Variant Classification Scheme 2023. Collection method: clinical testing. Allele origin: germline.

NM_001080421.3(UNC13A):c.3145T>G (p.Ser1049Ala)

Gene: UNC13A (unc-13 homolog A; minus strand). Cytogenetic location: 19p13.11.
Variant type: single nucleotide variant.
Coding change: c.3145T>G on transcript NM_001080421.3 (MANE Select); coding-DNA position 3145, T replaced by G.
Protein change: p.Ser1049Ala; replaces serine 1049 with alanine.
Molecular consequence: missense variant.
Genome position (GRCh38, 1-based): chr19:17,636,094, A>C on the plus strand (T>G on the coding strand, the complement: UNC13A is on the minus strand). VCF-style: chr19-17636094-A-C. GRCh37 (hg19) VCF-style: chr19-17746903-A-C.
Other names: c.3139T>G, p.Ser1047Ala (NM_001387021.1, NM_001387022.1, NM_001387023.1); short protein forms S1049A, S1047A.
Identifiers: ClinVar variation 2238179 (VCV002238179.4), dbSNP rs750254814, ClinGen allele CA9298079.
Genomic context (GRCh38, chr19:17,636,094, plus strand): 5'-AGGGAGTGTAGGAATTCTTGTCTTCCTCAATGATGGACACTATGAGGGTAATCAGCTTGG[A>C]CCAGAAGTCGAGGTTCTTGATGCTGGGCCCCTGTTCCTCTGGGAGAACTTCCCCCTTCTT-3'
Protein context (NP_001073890.2, residues 1039-1059): GPSIKNLDFW[Ser1049Ala]KLITLIVSII